The following is an entry in ClinVar:

NM_017636.4(TRPM4):c.2216C>T (p.Ala739Val)

Gene: TRPM4 (transient receptor potential cation channel subfamily M member 4; plus strand). Cytogenetic location: 19q13.33.
Variant type: single nucleotide variant.
Coding change: c.2216C>T on transcript NM_017636.4 (MANE Select); coding-DNA position 2216, C replaced by T.
Protein change: p.Ala739Val; replaces alanine 739 with valine.
Molecular consequence: missense variant. On other transcripts: intron variant (1).
Genome position (GRCh38, 1-based): chr19:49,196,445, C>T. VCF-style: chr19-49196445-C-T. GRCh37 (hg19) VCF-style: chr19-49699702-C-T.
Other names: c.1871C>T, p.Ala624Val (NM_001321281.2); c.608C>T, p.Ala203Val (NM_001321282.2); c.1694C>T, p.Ala565Val (NM_001321283.2); c.1154C>T, p.Ala385Val (NM_001321285.2); c.2211-3855C>T (NM_001195227.2); short protein forms A385V, A624V, A203V, A739V, A565V.
Identifiers: ClinVar variation 1418451 (VCV001418451.11), dbSNP rs550934129, ClinGen allele CA9569501.

ClinVar aggregate classification (germline): Uncertain significance. Review status: criteria provided, multiple submitters, no conflicts (2 of 4 stars). 2 submissions from 2 submitters: Uncertain significance (2). Last evaluated 2024-12-15.

Conditions:
Cardiovascular phenotype. Identifiers: MedGen CN230736.
Progressive familial heart block type IB (PFHB1B). Identifiers: Orphanet 871, MedGen C1970298, MONDO:0011474, OMIM 604559.

Allele frequency attached by ClinVar (database versions not stated): TOPMed 0.00003; ExAC 0.00022; 1000 Genomes Project 30x 0.00031; 1000 Genomes Project 0.00040.
gnomAD v4.1: 10 of 1,540,042 alleles (0.00065%); highest among the groups gnomAD compares: African/African-American, 0.0082%; no homozygotes.

Submissions (2):

Labcorp Genetics (formerly Invitae), Labcorp
Classification: Uncertain significance for Progressive familial heart block type IB. Last evaluated: 2024-12-15. Review status: criteria provided, single submitter. Criteria: Invitae Variant Classification Sherloc (09022015). Collection method: clinical testing. Allele origin: germline.
Comment: This sequence change replaces alanine, which is neutral and non-polar, with valine, which is neutral and non-polar, at codon 739 of the TRPM4 protein (p.Ala739Val). The frequency data for this variant in the population databases is considered unreliable, as metrics indicate poor data quality at this position in the gnomAD database. This variant has not been reported in the literature in individuals affected with TRPM4-related conditions. ClinVar contains an entry for this variant (Variation ID: 1418451). An algorithm developed to predict the effect of missense changes on protein structure and function outputs the following: PolyPhen-2: "Benign". The valine amino acid residue is found in multiple mammalian species, which suggests that this missense change does not adversely affect protein function. In summary, the available evidence is currently insufficient to determine the role of this variant in disease. Therefore, it has been classified as a Variant of Uncertain Significance.

Ambry Genetics
Classification: Uncertain significance for Cardiovascular phenotype. Last evaluated: 2024-03-21. Review status: criteria provided, single submitter. Criteria: Ambry Variant Classification Scheme 2023. Collection method: clinical testing. Allele origin: germline.
Comment: The p.A739V variant (also known as c.2216C>T), located in coding exon 17 of the TRPM4 gene, results from a C to T substitution at nucleotide position 2216. The alanine at codon 739 is replaced by valine, an amino acid with similar properties. This amino acid position is conserved. In addition, this alteration is predicted to be tolerated by in silico analysis. Since supporting evidence is limited at this time, the clinical significance of this alteration remains unclear.